The following is an entry in ClinVar:

ClinVar aggregate classification (germline): Uncertain significance. Review status: criteria provided, multiple submitters, no conflicts (2 of 4 stars). 3 submissions from 3 submitters: Uncertain significance (3). Last evaluated 2026-06-16.

Conditions:
Hematuria, benign familial, 2 (BFH2). Identifiers: MedGen C5830421, MONDO:0958186, OMIM 620320.
Alport syndrome 3b, autosomal recessive. Identifiers: MedGen C5882699, MONDO:0957811, OMIM 620536.
Autosomal dominant Alport syndrome (ATS3A). Also called: Alport syndrome dominant type; Renal failure and sensorineural hearing loss; ALPORT SYNDROME 3A, AUTOSOMAL DOMINANT. Identifiers: Orphanet 63, Orphanet 88918, MedGen C5882663, MONDO:0007086, OMIM 104200.
COL4A3-related disorder. Also called: COL4A3-related condition; COL4A3-Related Disorders.

Allele frequency attached by ClinVar (database versions not stated): ExAC 0.00001; gnomAD exomes 0.00001; gnomAD 0.00012; TOPMed 0.00017.
gnomAD v4.1: 25 of 1,613,866 alleles (0.0015%); highest among the groups gnomAD compares: Admixed American, 0.033%; no homozygotes.

Submissions (3):

PreventionGenetics, part of Exact Sciences
Classification: Uncertain significance for COL4A3-related condition. Last evaluated: 2026-06-16. Review status: criteria provided, single submitter. Criteria: ACMG Guidelines, 2015. Collection method: clinical testing. Allele origin: germline.
Comment: The COL4A3 c.3224T>G variant is predicted to result in the amino acid substitution p.Leu1075Arg. To our knowledge, this variant has not been reported in the literature or in a large population database (gnomAD), indicating this variant is rare. At this time, the clinical significance of this variant is uncertain due to the absence of conclusive functional and genetic evidence.

Fulgent Genetics
Classification: Uncertain significance for Autosomal dominant Alport syndrome; Hematuria, benign familial, 2; Alport syndrome 3b, autosomal recessive. Last evaluated: 2024-06-14. Review status: criteria provided, single submitter. Criteria: ACMG Guidelines, 2015. Collection method: clinical testing. Allele origin: germline.

GeneDx
Classification: Uncertain significance. Last evaluated: 2023-11-22. Review status: criteria provided, single submitter. Criteria: GeneDx Variant Classification Process June 2021. Collection method: clinical testing. Allele origin: germline. Affected: yes.
Comment: Not observed at significant frequency in large population cohorts (gnomAD); In silico analysis supports that this missense variant does not alter protein structure/function; Occurs in the triple helical domain at the X position in the canonical Gly-X-Y repeat; although this variant may have an effect on normal protein folding and function, missense substitution at the X position is not a common mechanism of disease; Has not been previously published as pathogenic or benign to our knowledge

NM_000091.5(COL4A3):c.3224T>G (p.Leu1075Arg)

Genes: COL4A3 (collagen type IV alpha 3 chain; plus strand), MFF-DT (MFF divergent transcript; minus strand). Cytogenetic location: 2q36.3.
Variant type: single nucleotide variant.
Coding change: c.3224T>G on transcript NM_000091.5 (MANE Select); coding-DNA position 3224, T replaced by G.
Protein change: p.Leu1075Arg; replaces leucine 1075 with arginine.
Molecular consequence: missense variant.
Genome position (GRCh38, 1-based): chr2:227,293,204, T>G. VCF-style: chr2-227293204-T-G. GRCh37 (hg19) VCF-style: chr2-228157920-T-G.
Other names: short protein forms L1075R.
Identifiers: ClinVar variation 3253160 (VCV003253160.3), dbSNP rs775116314.
Genomic context (GRCh38, chr2:227,293,204, plus strand): 5'-ATATCCTGCTTATATGAGAATTTTAAAGGTATTTGACTACATTTAAGGGGGATCCAGGAC[T>G]GCCGGGTGATATGGGAAAGAAAGGAGAAATGGGGCAACCTGGCCCACCTGGACATTTGGG-3'
Protein context (NP_000082.2, residues 1065-1085): GPPGPTGDPG[Leu1075Arg]PGDMGKKGEM